The following is an entry in ClinVar:

ClinVar aggregate classification (germline): Uncertain significance (1 of 4 stars; one submission).

Submission:

GeneDx
Classification: Uncertain significance. Last evaluated: 2024-05-04. Review status: criteria provided, single submitter. Criteria: GeneDx Variant Classification Process June 2021. Collection method: clinical testing. Allele origin: germline. Affected: yes.
Comment: Not observed at significant frequency in large population cohorts (gnomAD); In silico analysis supports that this missense variant has a deleterious effect on protein structure/function; Has not been previously published as pathogenic or benign to our knowledge

NM_024665.7(TBL1XR1):c.1391A>C (p.Lys464Thr)

Gene: TBL1XR1 (TBL1X/Y related 1; minus strand). Cytogenetic location: 3q26.32.
Variant type: single nucleotide variant.
Coding change: c.1391A>C on transcript NM_024665.7 (MANE Select); coding-DNA position 1391, A replaced by C.
Protein change: p.Lys464Thr; replaces lysine 464 with threonine.
Molecular consequence: missense variant.
Genome position (GRCh38, 1-based): chr3:177,032,996, T>G on the plus strand (A>C on the coding strand, the complement: TBL1XR1 is on the minus strand). VCF-style: chr3-177032996-T-G. GRCh37 (hg19) VCF-style: chr3-176750784-T-G.
Other names: c.1391A>C, p.Lys464Thr (NM_001321193.3, NM_001321194.3, NM_001374327.1 and 2 more transcripts); c.1130A>C, p.Lys377Thr (NM_001321195.3, NM_001374330.1); short protein forms K377T, K464T.
Identifiers: ClinVar variation 3375946 (VCV003375946.1).